The following is an entry in ClinVar:

ClinVar aggregate classification (germline): Uncertain significance. Review status: criteria provided, single submitter (1 of 4 stars). 2 submissions from 2 submitters: Uncertain significance (1). 1 of the submissions does not count toward it. Last evaluated 2022-01-03.

Conditions:
TNPO2-related disorder. Also called: TNPO2-related condition.
Intellectual developmental disorder with hypotonia, impaired speech, and dysmorphic facies (IDDHISD). Identifiers: MedGen C5561997, MONDO:0859197, OMIM 619556.

Submissions (2):

Undiagnosed Diseases Network, NIH
Classification: Uncertain significance for TNPO2-related condition. Last evaluated: 2022-01-03. Review status: criteria provided, single submitter. Criteria: ACMG Guidelines, 2015. Collection method: clinical testing. Allele origin: de novo. Inheritance: Autosomal dominant inheritance. Affected: yes. Observed: 1 variant allele, 1 heterozygote. Study: Undiagnosed Diseases Network (NIH), UDN.

OMIM
Classification: Pathogenic for INTELLECTUAL DEVELOPMENTAL DISORDER WITH HYPOTONIA, IMPAIRED SPEECH, AND DYSMORPHIC FACIES. Last evaluated: 2021-10-11. Review status: no assertion criteria provided. Collection method: literature only. Allele origin: germline. Not counted in ClinVar's aggregate classification.

Literature cited by the submitters: PubMed 34314705 (cited by OMIM).

NM_001382241.1(TNPO2):c.83A>G (p.Gln28Arg)

Gene: TNPO2 (transportin 2; minus strand). Cytogenetic location: 19p13.13.
Variant type: single nucleotide variant.
Coding change: c.83A>G on transcript NM_001382241.1 (MANE Select); coding-DNA position 83, A replaced by G.
Protein change: p.Gln28Arg; replaces glutamine 28 with arginine.
Molecular consequence: missense variant. On other transcripts: non-coding transcript variant (6).
Genome position (GRCh38, 1-based): chr19:12,720,895, T>C on the plus strand (A>G on the coding strand, the complement: TNPO2 is on the minus strand). VCF-style: chr19-12720895-T-C. GRCh37 (hg19) VCF-style: chr19-12831709-T-C.
Other names: p.Q28R; c.83A>G, p.Gln28Arg (NM_001136195.2, NM_001136196.2, NM_001382236.1 and 7 more transcripts); short protein forms Q28R.
Identifiers: ClinVar variation 1299683 (VCV001299683.4), dbSNP rs2145624064, ClinGen allele CA404258528.